The following is an entry in ClinVar:

ClinVar aggregate classification (germline): Pathogenic/Likely pathogenic. Review status: criteria provided, multiple submitters, no conflicts (2 of 4 stars). 6 submissions from 6 submitters: Pathogenic (5); Likely pathogenic (1). Last evaluated 2026-09-14.

Conditions:
Rare genetic deafness. Identifiers: Orphanet 96210, MedGen C5680250.
ADGRV1-related disorder. Also called: ADGRV1-related disorders; ADGRV1-related condition.
Febrile seizures, familial, 4 (FEB4). Also called: CONVULSIONS, FAMILIAL FEBRILE, 4. Identifiers: MedGen C1858493, MONDO:0011443, OMIM 604352.
Usher syndrome type 2C. Also called: Usher syndrome, type 2B; USHER SYNDROME, TYPE IIC. Identifiers: Orphanet 231178, Orphanet 886, MedGen C2931213, MONDO:0011558, OMIM 605472.

Allele frequency attached by ClinVar (database versions not stated): gnomAD 0.00001 and 0.00002; gnomAD exomes 0.00002 and 0.00003; TOPMed 0.00002; ExAC 0.00003; ESP Exome Variant Server 0.00008.
gnomAD v4.1: 37 of 1,607,408 alleles (0.0023%); highest among the groups gnomAD compares: African/African-American, 0.0054%; no homozygotes.

Submissions (6):

PreventionGenetics, part of Exact Sciences
Classification: Pathogenic for ADGRV1-related condition. Last evaluated: 2026-09-14. Review status: criteria provided, single submitter. Criteria: ACMG Guidelines, 2015. Collection method: clinical testing. Allele origin: germline.
Comment: The ADGRV1 c.2398C>T variant is predicted to result in premature protein termination (p.Arg800*). This variant was reported, along with a second potentially causative variant in the same gene, in an individual with Usher syndrome (Le Quesne Stabej et al. 2012. PubMed ID: 22135276). This variant is reported in 0.0065% of alleles in individuals of African descent in gnomAD. Nonsense variants in ADGRV1 are expected to be pathogenic. This variant is interpreted as pathogenic.

Labcorp Genetics (formerly Invitae), Labcorp
Classification: Pathogenic. Last evaluated: 2025-12-26. Review status: criteria provided, single submitter. Criteria: Invitae Variant Classification Sherloc (09022015). Collection method: clinical testing. Allele origin: germline.
Comment: This sequence change creates a premature translational stop signal (p.Arg800*) in the ADGRV1 gene. It is expected to result in an absent or disrupted protein product. Loss-of-function variants in ADGRV1 are known to be pathogenic (PMID: 19357117, 22135276, 22147658, 26226137, 30718709, 31047384, 32467589). This variant is present in population databases (rs373780305, gnomAD 0.007%). This premature translational stop signal has been observed in individual(s) with Usher syndrome (PMID: 22135276). ClinVar contains an entry for this variant (Variation ID: 46306). Algorithms developed to predict the effect of sequence changes on RNA splicing suggest that this variant may disrupt the consensus splice site. For these reasons, this variant has been classified as Pathogenic.

GeneDx
Classification: Pathogenic. Last evaluated: 2025-04-14. Review status: criteria provided, single submitter. Criteria: GeneDx Variant Classification Process June 2021. Collection method: clinical testing. Allele origin: germline. Affected: yes.
Comment: Nonsense variant predicted to result in protein truncation or nonsense mediated decay in a gene for which loss of function is a known mechanism of disease; Not observed at significant frequency in large population cohorts (gnomAD); This variant is associated with the following publications: (PMID: 31964843, 31589614, 36357925, 22135276)

Blueprint Genetics
Classification: Likely pathogenic for ADGRV1-related disorders. Last evaluated: 2022-10-27. Review status: criteria provided, single submitter. Criteria: ACMG Guidelines, 2015. Collection method: clinical testing. Allele origin: germline. Affected: yes. Observed: 3 variant alleles.

Fulgent Genetics
Classification: Pathogenic for Febrile seizures, familial, 4; Usher syndrome type 2C. Last evaluated: 2018-10-31. Review status: criteria provided, single submitter. Criteria: ACMG Guidelines, 2015. Collection method: clinical testing. Allele origin: unknown.

Laboratory for Molecular Medicine, Mass General Brigham Personalized Medicine
Classification: Pathogenic for Rare genetic deafness. Last evaluated: 2013-01-10. Review status: criteria provided, single submitter. Criteria: LMM Criteria. Collection method: clinical testing. Allele origin: germline. Observed: 1 variant allele.
Comment: The Arg800X variant in GPR98 has been reported in one individual with Usher synd rome who had a second GPR98 variant (Le Quesne Stabej 2012). This nonsense varia nt leads to a premature termination codon at position 800, which is predicted to lead to a truncated or absent protein. In summary, this variant meets our crite ria to be classified as pathogenic.

Literature cited by the submitters: PubMed 19357117 (cited by Labcorp Genetics (formerly Invitae), Labcorp); PubMed 22135276 (cited by Labcorp Genetics (formerly Invitae), Labcorp and Laboratory for Molecular Medicine, Mass General Brigham Personalized Medicine); PubMed 22147658 (cited by Labcorp Genetics (formerly Invitae), Labcorp); PubMed 26226137 (cited by Labcorp Genetics (formerly Invitae), Labcorp); PubMed 30718709 (cited by Labcorp Genetics (formerly Invitae), Labcorp); PubMed 31047384 (cited by Labcorp Genetics (formerly Invitae), Labcorp); PubMed 32467589 (cited by Labcorp Genetics (formerly Invitae), Labcorp).

NM_032119.4(ADGRV1):c.2398C>T (p.Arg800Ter)

Gene: ADGRV1 (adhesion G protein-coupled receptor V1; plus strand). Cytogenetic location: 5q14.3.
Variant type: single nucleotide variant.
Coding change: c.2398C>T on transcript NM_032119.4 (MANE Select); coding-DNA position 2398, C replaced by T.
Protein change: p.Arg800Ter; replaces arginine 800 with a stop codon.
Molecular consequence: nonsense. On other transcripts: non-coding transcript variant (1).
Genome position (GRCh38, 1-based): chr5:90,642,886, C>T. VCF-style: chr5-90642886-C-T. GRCh37 (hg19) VCF-style: chr5-89938703-C-T.
Other names: short protein forms R800*.
Identifiers: ClinVar variation 46306 (VCV000046306.20), dbSNP rs373780305, ClinGen allele CA261835.